The following is an entry in ClinVar:

NM_020884.7(MYH7B):c.5675C>T (p.Ala1892Val)

Gene: MYH7B (myosin heavy chain 7B; plus strand). Cytogenetic location: 20q11.22.
Variant type: single nucleotide variant.
Coding change: c.5675C>T on transcript NM_020884.7 (MANE Select); coding-DNA position 5675, C replaced by T.
Protein change: p.Ala1892Val; replaces alanine 1892 with valine.
Molecular consequence: missense variant.
Genome position (GRCh38, 1-based): chr20:35,001,525, C>T. VCF-style: chr20-35001525-C-T. GRCh37 (hg19) VCF-style: chr20-33589328-C-T.
Other names: short protein forms A1892V.
Identifiers: ClinVar variation 770301 (VCV000770301.12), dbSNP rs61746160, ClinGen allele CA9828678.
Genomic context (GRCh38, chr20:35,001,525, plus strand): 5'-AGGACCTGGTGGACAAGCTGCAGAGCAAGGTCAAGAGCTACAAGCGCCAGTTTGAGGAGG[C>T]GGTGAGTGCGCTGGGGCCTGGACACCTGGACCGGGCACCCCAGCTCTGCCCCAGGGTCTG-3'
Protein context (NP_065935.4, residues 1882-1902): VKSYKRQFEE[Ala1892Val]EQQANTNLAK

ClinVar aggregate classification (germline): Benign. Review status: criteria provided, single submitter (1 of 4 stars). 2 submissions from 2 submitters: Benign (1). 1 of the submissions does not count toward it. Last evaluated 2026-01-06.

Conditions:
MYH7B-related disorder. Also called: MYH7B-related condition.

Allele frequency attached by ClinVar (database versions not stated): gnomAD exomes 0.00062 and 0.00175; ExAC 0.00384; gnomAD 0.00707 and 0.00754; TOPMed 0.00790; 1000 Genomes Project 0.00819; ESP Exome Variant Server 0.00831; 1000 Genomes Project 30x 0.00843.
gnomAD v4.1: 1,989 of 1,603,744 alleles (0.12%); highest among the groups gnomAD compares: African/African-American, 2.4%; 25 homozygotes.

Submissions (8):

Labcorp Genetics (formerly Invitae), Labcorp
Classification: Benign. Last evaluated: 2026-01-06. Review status: criteria provided, single submitter. Criteria: Invitae Variant Classification Sherloc (09022015). Collection method: clinical testing. Allele origin: germline.

PreventionGenetics, part of Exact Sciences
Classification: Benign for MYH7B-related condition. Last evaluated: 2024-04-05. Review status: no assertion criteria provided. Collection method: clinical testing. Allele origin: germline. Not counted in ClinVar's aggregate classification.
Comment: This variant is classified as benign based on ACMG/AMP sequence variant interpretation guidelines (Richards et al. 2015 PMID: 25741868, with internal and published modifications).

Dr. Peter K. Rogan Lab, Western University
No classification provided (evidence only). Condition: Clear cell carcinoma of kidney. Review status: no classification provided. Collection method: in vitro. Allele origin: not applicable. Functional consequence: retained intron. Not counted in ClinVar's aggregate classification.

Dr. Peter K. Rogan Lab, Western University
No classification provided (evidence only). Condition: Acute myeloid leukemia. Review status: no classification provided. Collection method: in vitro. Allele origin: not applicable. Functional consequence: retained intron. Not counted in ClinVar's aggregate classification.

Dr. Peter K. Rogan Lab, Western University
No classification provided (evidence only). Condition: Uterine corpus endometrial carcinoma. Review status: no classification provided. Collection method: in vitro. Allele origin: not applicable. Functional consequence: retained intron. Not counted in ClinVar's aggregate classification.

Dr. Peter K. Rogan Lab, Western University
No classification provided (evidence only). Condition: Uterine corpus endometrial carcinoma. Review status: no classification provided. Collection method: in vitro. Allele origin: not applicable. Functional consequence: retained intron. Not counted in ClinVar's aggregate classification.

Dr. Peter K. Rogan Lab, Western University
No classification provided (evidence only). Condition: Uterine corpus endometrial carcinoma. Review status: no classification provided. Collection method: in vitro. Allele origin: not applicable. Functional consequence: retained intron. Not counted in ClinVar's aggregate classification.

Dr. Peter K. Rogan Lab, Western University
No classification provided (evidence only). Condition: Sarcoma. Review status: no classification provided. Collection method: in vitro. Allele origin: not applicable. Functional consequence: retained intron. Not counted in ClinVar's aggregate classification.